The following is an entry in ClinVar:

ClinVar aggregate classification (germline): Uncertain significance (1 of 4 stars; one submission).

Allele frequency attached by ClinVar (database versions not stated): gnomAD 0.00001; TOPMed 0.00001; gnomAD exomes 0.00002.
gnomAD v4.1: 34 of 1,502,430 alleles (0.0023%); highest among the groups gnomAD compares: Non-Finnish European, 0.0028%; no homozygotes.

Submission:

GeneDx
Classification: Uncertain significance. Last evaluated: 2019-06-06. Review status: criteria provided, single submitter. Criteria: GeneDx Variant Classification Process June 2021. Collection method: clinical testing. Allele origin: germline. Affected: yes.
Comment: Not observed in large population cohorts (Lek et al., 2016); In silico analysis, which includes protein predictors and evolutionary conservation, supports a deleterious effect

NM_001145026.2(PTPRQ):c.6107T>G (p.Ile2036Arg)

Gene: PTPRQ (protein tyrosine phosphatase receptor type Q; plus strand). Cytogenetic location: 12q21.31.
Variant type: single nucleotide variant.
Coding change: c.6107T>G on transcript NM_001145026.2 (MANE Select); coding-DNA position 6107, T replaced by G.
Protein change: p.Ile2036Arg; replaces isoleucine 2036 with arginine.
Molecular consequence: missense variant.
Genome position (GRCh38, 1-based): chr12:80,652,826, T>G. VCF-style: chr12-80652826-T-G. GRCh37 (hg19) VCF-style: chr12-81046605-T-G.
Other names: short protein forms I2036R.
Identifiers: ClinVar variation 1308497 (VCV001308497.2), dbSNP rs1173087948, ClinGen allele CA385935463.
Genomic context (GRCh38, chr12:80,652,826, plus strand): 5'-ATCTTTCTTCAACTGATGCTGATCTGCCTTGGAATAGAGCAAAAAACCGCTTCCCAAACA[T>G]AAAACCATGTATGTGCATTTGTTGGTTTTGGTTTAGCTAGGAAATATTTTTAAATGCCTA-3'
Protein context (NP_001138498.1, residues 2026-2046): WNRAKNRFPN[Ile2036Arg]KPYNNNRVKL